The following is an entry in ClinVar:

NM_001719.3(BMP7):c.611+6228C>A

Gene: BMP7 (bone morphogenetic protein 7; minus strand). Cytogenetic location: 20q13.31.
Variant type: single nucleotide variant.
Coding change: c.611+6228C>A on transcript NM_001719.3 (MANE Select); 6228 bases into the intron after coding-DNA position 611, C replaced by A.
Molecular consequence: intron variant.
Genome position (GRCh38, 1-based): chr20:57,222,001, G>T on the plus strand (C>A on the coding strand, the complement: BMP7 is on the minus strand). VCF-style: chr20-57222001-G-T. GRCh37 (hg19) VCF-style: chr20-55797057-G-T.
Identifiers: ClinVar variation 1232990 (VCV001232990.3), dbSNP rs6127972, ClinGen allele CA14791278.

ClinVar aggregate classification (germline): Benign (1 of 4 stars; one submission).

Allele frequency attached by ClinVar (database versions not stated): gnomAD 0.33281 and 0.34014; TOPMed 0.33425; 1000 Genomes Project 30x 0.36290; 1000 Genomes Project 0.36881.
gnomAD v4.1: 51,705 of 151,850 alleles (34%); highest among the groups gnomAD compares: East Asian, 63%; 9,867 homozygotes.

Submission:

GeneDx
Classification: Benign. Last evaluated: 2021-02-23. Review status: criteria provided, single submitter. Criteria: GeneDx Variant Classification Process June 2021. Collection method: clinical testing. Allele origin: germline. Affected: yes.
Comment: This variant is associated with the following publications: (PMID: 32266521)